The following is an entry in ClinVar:

ClinVar aggregate classification (germline): Uncertain significance (1 of 4 stars; one submission).

Allele frequency attached by ClinVar (database versions not stated): gnomAD exomes below 0.00001.
gnomAD v4.1: 1 of 1,211,165 alleles (0.000083%); highest among the groups gnomAD compares: Non-Finnish European, 0.00011%; no homozygotes.

Submission:

GeneDx
Classification: Uncertain significance. Last evaluated: 2021-01-19. Review status: criteria provided, single submitter. Criteria: GeneDx Variant Classification Process June 2021. Collection method: clinical testing. Allele origin: germline. Affected: yes.
Comment: Not observed in large population cohorts (Lek et al., 2016); In silico analysis supports a deleterious effect on splicing; In silico analysis supports that this missense variant has a deleterious effect on protein structure/function; Has not been previously published as pathogenic or benign to our knowledge

NM_006517.5(SLC16A2):c.1456C>T (p.Pro486Ser)

Gene: SLC16A2 (solute carrier family 16 member 2; plus strand). Cytogenetic location: Xq13.2.
Variant type: single nucleotide variant.
Coding change: c.1456C>T on transcript NM_006517.5 (MANE Select); coding-DNA position 1456, C replaced by T.
Protein change: p.Pro486Ser; replaces proline 486 with serine.
Molecular consequence: missense variant.
Genome position (GRCh38, 1-based): chrX:74,531,389, C>T. VCF-style: chrX-74531389-C-T. GRCh37 (hg19) VCF-style: chrX-73751224-C-T.
Other names: short protein forms P486S.
Identifiers: ClinVar variation 1313903 (VCV001313903.2), dbSNP rs2147350833, ClinGen allele CA413658907.
Genomic context (GRCh38, chrX:74,531,389, plus strand): 5'-TCAGGCCTACTCCGCAACTGTTTTGGGGACTACCATGTGGCCTTCTACTTTGCCGGTGTG[C>T]CCCCCATCATCGGGGCTGTAATCCTCTTCTTCGTCCCTCTGATGCATCAAAGGATGTTCA-3'
Protein context (NP_006508.2, residues 476-496): YHVAFYFAGV[Pro486Ser]PIIGAVILFF